The following is an entry in ClinVar:

ClinVar aggregate classification (germline): Uncertain significance (1 of 4 stars; one submission).

Allele frequency attached by ClinVar (database versions not stated): TOPMed below 0.00001.

Submission:

Labcorp Genetics (formerly Invitae), Labcorp
Classification: Uncertain significance. Last evaluated: 2022-07-26. Review status: criteria provided, single submitter. Criteria: Invitae Variant Classification Sherloc (09022015). Collection method: clinical testing. Allele origin: germline.
Comment: This sequence change replaces arginine, which is basic and polar, with serine, which is neutral and polar, at codon 891 of the PITPNM3 protein (p.Arg891Ser). This variant is not present in population databases (gnomAD no frequency). This variant has not been reported in the literature in individuals affected with PITPNM3-related conditions. Algorithms developed to predict the effect of missense changes on protein structure and function (SIFT, PolyPhen-2, Align-GVGD) all suggest that this variant is likely to be tolerated. In summary, the available evidence is currently insufficient to determine the role of this variant in disease. Therefore, it has been classified as a Variant of Uncertain Significance.

NM_031220.4(PITPNM3):c.2671C>A (p.Arg891Ser)

Gene: PITPNM3 (PITPNM family member 3; minus strand). Cytogenetic location: 17p13.2.
Variant type: single nucleotide variant.
Coding change: c.2671C>A on transcript NM_031220.4 (MANE Select); coding-DNA position 2671, C replaced by A.
Protein change: p.Arg891Ser; replaces arginine 891 with serine.
Molecular consequence: missense variant.
Genome position (GRCh38, 1-based): chr17:6,455,592, G>T on the plus strand (C>A on the coding strand, the complement: PITPNM3 is on the minus strand). VCF-style: chr17-6455592-G-T. GRCh37 (hg19) VCF-style: chr17-6358912-G-T.
Other names: c.2563C>A, p.Arg855Ser (NM_001165966.2); short protein forms R891S, R855S.
Identifiers: ClinVar variation 2103382 (VCV002103382.4), dbSNP rs749750327, ClinGen allele CA397401200.
Genomic context (GRCh38, chr17:6,455,592, plus strand): 5'-GCAGCCCGAAGCTGCCCTTGCGCAGGATCATGCGCGAGTTGTTCTTCTTTGGGCGTGAGC[G>T]GTGGCTGGCCTCCAGCGCGGCCAGGTGTGCGGCGTAGCCCTCGCTCAGGAACTGCGGAGG-3'
Protein context (NP_112497.2, residues 881-901): AHLAALEASH[Arg891Ser]SRPKKNNSRM